The following is an entry in ClinVar:

NM_000701.8(ATP1A1):c.1333-9T>G

Gene: ATP1A1 (ATPase Na+/K+ transporting subunit alpha 1; plus strand). Cytogenetic location: 1p13.1.
Variant type: single nucleotide variant.
Coding change: c.1333-9T>G on transcript NM_000701.8 (MANE Select); 9 bases into the intron before coding-DNA position 1333, T replaced by G.
Molecular consequence: intron variant.
Genome position (GRCh38, 1-based): chr1:116,392,845, T>G. VCF-style: chr1-116392845-T-G. GRCh37 (hg19) VCF-style: chr1-116935467-T-G.
Other names: c.1333-9T>G (NM_001160233.2); c.1240-9T>G (NM_001160234.2).
Identifiers: ClinVar variation 3679827 (VCV003679827.2).

ClinVar aggregate classification (germline): Uncertain significance (1 of 4 stars; one submission).

Submission:

Labcorp Genetics (formerly Invitae), Labcorp
Classification: Uncertain significance. Last evaluated: 2024-10-29. Review status: criteria provided, single submitter. Criteria: Invitae Variant Classification Sherloc (09022015). Collection method: clinical testing. Allele origin: germline.
Comment: This sequence change falls in intron 10 of the ATP1A1 gene. It does not directly change the encoded amino acid sequence of the ATP1A1 protein. This variant is not present in population databases (gnomAD no frequency). This variant has not been reported in the literature in individuals affected with ATP1A1-related conditions. Algorithms developed to predict the effect of sequence changes on RNA splicing suggest that this variant may disrupt the consensus splice site. In summary, the available evidence is currently insufficient to determine the role of this variant in disease. Therefore, it has been classified as a Variant of Uncertain Significance.